The following is an entry in ClinVar:

ClinVar aggregate classification (germline): Benign (1 of 4 stars; one submission).

Allele frequency attached by ClinVar (database versions not stated): 1000 Genomes Project 30x 0.39210; 1000 Genomes Project 0.39776; TOPMed 0.45125; gnomAD 0.46514 and 0.46656.
gnomAD v4.1: 70,797 of 151,760 alleles (47%); highest among the groups gnomAD compares: Non-Finnish European, 56%; 17,738 homozygotes.

Submission:

GeneDx
Classification: Benign. Last evaluated: 2018-06-20. Review status: criteria provided, single submitter. Criteria: GeneDx Variant Classification (06012015). Collection method: clinical testing. Allele origin: germline. Affected: yes.
Comment: This variant is considered likely benign or benign based on one or more of the following criteria: it is a conservative change, it occurs at a poorly conserved position in the protein, it is predicted to be benign by multiple in silico algorithms, and/or has population frequency not consistent with disease.

NM_006231.4(POLE):c.63-223G>A

Gene: POLE (DNA polymerase epsilon, catalytic subunit; minus strand). Cytogenetic location: 12q24.33.
Variant type: single nucleotide variant.
Coding change: c.63-223G>A on transcript NM_006231.4 (MANE Select); 223 bases into the intron before coding-DNA position 63, G replaced by A.
Molecular consequence: intron variant.
Genome position (GRCh38, 1-based): chr12:132,681,502, C>T on the plus strand (G>A on the coding strand, the complement: POLE is on the minus strand). VCF-style: chr12-132681502-C-T. GRCh37 (hg19) VCF-style: chr12-133258088-C-T.
Identifiers: ClinVar variation 679670 (VCV000679670.1), dbSNP rs5744731, ClinGen allele CA13680155.